The following is an entry in ClinVar:

NM_004329.3(BMPR1A):c.806C>T (p.Ala269Val)

Gene: BMPR1A (bone morphogenetic protein receptor type 1A; plus strand). Cytogenetic location: 10q23.2.
Variant type: single nucleotide variant.
Coding change: c.806C>T on transcript NM_004329.3 (MANE Select); coding-DNA position 806, C replaced by T.
Protein change: p.Ala269Val; replaces alanine 269 with valine.
Molecular consequence: missense variant.
Genome position (GRCh38, 1-based): chr10:86,917,264, C>T. VCF-style: chr10-86917264-C-T. GRCh37 (hg19) VCF-style: chr10-88677021-C-T.
Other names: short protein forms A269V.
Identifiers: ClinVar variation 1349303 (VCV001349303.8), dbSNP rs1843587139, ClinGen allele CA377458330.

ClinVar aggregate classification (germline): Uncertain significance (1 of 4 stars; one submission).

Conditions:
Juvenile polyposis syndrome (JPS). Identifiers: Orphanet 2929, MedGen C0345893, MONDO:0017380, OMIM 174900.

Submission:

Labcorp Genetics (formerly Invitae), Labcorp
Classification: Uncertain significance for Juvenile polyposis syndrome. Last evaluated: 2022-09-03. Review status: criteria provided, single submitter. Criteria: Invitae Variant Classification Sherloc (09022015). Collection method: clinical testing. Allele origin: germline.
Comment: This variant has not been reported in the literature in individuals affected with BMPR1A-related conditions. This variant is not present in population databases (gnomAD no frequency). This sequence change replaces alanine, which is neutral and non-polar, with valine, which is neutral and non-polar, at codon 269 of the BMPR1A protein (p.Ala269Val). ClinVar contains an entry for this variant (Variation ID: 1349303). In summary, the available evidence is currently insufficient to determine the role of this variant in disease. Therefore, it has been classified as a Variant of Uncertain Significance. Algorithms developed to predict the effect of missense changes on protein structure and function are either unavailable or do not agree on the potential impact of this missense change (SIFT: "Tolerated"; PolyPhen-2: "Benign"; Align-GVGD: "Class C25").